The following is an entry in ClinVar:

ClinVar aggregate classification (germline): Conflicting classifications of pathogenicity. Review status: criteria provided, conflicting classifications (1 of 4 stars). 3 submissions from 3 submitters: Uncertain significance (2); Likely benign (1). Last evaluated 2025-11-21.

Conditions:
Ullrich congenital muscular dystrophy 2 (UCMD2). Identifiers: Orphanet 75840, MedGen C4225314, MONDO:0014654, OMIM 616470.
Bethlem myopathy 2 (BTHLM2). Identifiers: Orphanet 536516, Orphanet 610, MedGen C4225313, MONDO:0034022, OMIM 616471.

Allele frequency attached by ClinVar (database versions not stated): TOPMed 0.00006; ESP Exome Variant Server 0.00008; gnomAD 0.00013 and 0.00007; ExAC 0.00003; gnomAD exomes 0.00004.
gnomAD v4.1: 76 of 1,613,802 alleles (0.0047%); highest among the groups gnomAD compares: African/African-American, 0.013%; no homozygotes.

Submissions (3):

Labcorp Genetics (formerly Invitae), Labcorp
Classification: Likely benign for Bethlem myopathy 2; Ullrich congenital muscular dystrophy 2. Last evaluated: 2025-11-21. Review status: criteria provided, single submitter. Criteria: Invitae Variant Classification Sherloc (09022015). Collection method: clinical testing. Allele origin: germline.

Revvity Omics, Revvity
Classification: Uncertain significance. Last evaluated: 2023-05-30. Review status: criteria provided, single submitter. Criteria: ACMG Guidelines, 2015. Collection method: clinical testing. Allele origin: germline.

GeneDx
Classification: Uncertain significance. Last evaluated: 2022-09-13. Review status: criteria provided, single submitter. Criteria: GeneDx Variant Classification Process June 2021. Collection method: clinical testing. Allele origin: germline. Affected: yes.
Comment: Has not been previously published as pathogenic or benign to our knowledge; In silico analysis supports that this missense variant has a deleterious effect on protein structure/function

NM_004370.6(COL12A1):c.2797C>T (p.Arg933Cys)

Gene: COL12A1 (collagen type XII alpha 1 chain; minus strand). Cytogenetic location: 6q13.
Variant type: single nucleotide variant.
Coding change: c.2797C>T on transcript NM_004370.6 (MANE Select); coding-DNA position 2797, C replaced by T.
Protein change: p.Arg933Cys; replaces arginine 933 with cysteine.
Molecular consequence: missense variant. On other transcripts: intron variant (1).
Genome position (GRCh38, 1-based): chr6:75,165,693, G>A on the plus strand (C>T on the coding strand, the complement: COL12A1 is on the minus strand). VCF-style: chr6-75165693-G-A. GRCh37 (hg19) VCF-style: chr6-75875409-G-A.
Other names: c.74-13211C>T (NM_080645.3); short protein forms R933C.
Identifiers: ClinVar variation 662266 (VCV000662266.11), dbSNP rs377223474, ClinGen allele CA3893873.